The following is an entry in ClinVar:

ClinVar aggregate classification (germline): Uncertain significance. Review status: criteria provided, multiple submitters, no conflicts (2 of 4 stars). 2 submissions from 2 submitters: Uncertain significance (2). Last evaluated 2025-06-08.

Conditions:
Inborn genetic diseases. Identifiers: MedGen C0950123, MeSH D030342.
Cornelia de Lange syndrome 4 (CDLS4). Also called: CORNELIA DE LANGE SYNDROME 4 WITH OR WITHOUT MIDLINE BRAIN DEFECTS; RAD21-Related Cornelia de Lange Syndrome. Identifiers: Orphanet 199, MedGen C3553517, MONDO:0013864, OMIM 614701.

Allele frequency attached by ClinVar (database versions not stated): gnomAD exomes below 0.00001; TOPMed below 0.00001; gnomAD 0.00001; ESP Exome Variant Server 0.00008.
gnomAD v4.1: 4 of 1,585,208 alleles (0.00025%); highest among the groups gnomAD compares: Admixed American, 0.0018%; no homozygotes.

Submissions (2):

Labcorp Genetics (formerly Invitae), Labcorp
Classification: Uncertain significance for Cornelia de Lange syndrome 4. Last evaluated: 2025-06-08. Review status: criteria provided, single submitter. Criteria: Invitae Variant Classification Sherloc (09022015). Collection method: clinical testing. Allele origin: germline.
Comment: This sequence change replaces proline, which is neutral and non-polar, with leucine, which is neutral and non-polar, at codon 395 of the RAD21 protein (p.Pro395Leu). The frequency data for this variant in the population databases is considered unreliable, as metrics indicate poor data quality at this position in the gnomAD database. This variant has not been reported in the literature in individuals affected with RAD21-related conditions. ClinVar contains an entry for this variant (Variation ID: 2609113). Invitae Evidence Modeling of protein sequence and biophysical properties (such as structural, functional, and spatial information, amino acid conservation, physicochemical variation, residue mobility, and thermodynamic stability) has been performed for this missense variant. However, the output from this modeling did not meet the statistical confidence thresholds required to predict the impact of this variant on RAD21 protein function. In summary, the available evidence is currently insufficient to determine the role of this variant in disease. Therefore, it has been classified as a Variant of Uncertain Significance.

Ambry Genetics
Classification: Uncertain significance for Inborn genetic diseases. Last evaluated: 2023-06-30. Review status: criteria provided, single submitter. Criteria: Ambry Variant Classification Scheme 2023. Collection method: clinical testing. Allele origin: germline.

NM_006265.3(RAD21):c.1184C>T (p.Pro395Leu)

Gene: RAD21 (RAD21 cohesin complex component; minus strand). Cytogenetic location: 8q24.11.
Variant type: single nucleotide variant.
Coding change: c.1184C>T on transcript NM_006265.3 (MANE Select); coding-DNA position 1184, C replaced by T.
Protein change: p.Pro395Leu; replaces proline 395 with leucine.
Molecular consequence: missense variant.
Genome position (GRCh38, 1-based): chr8:116,852,686, G>A on the plus strand (C>T on the coding strand, the complement: RAD21 is on the minus strand). VCF-style: chr8-116852686-G-A. GRCh37 (hg19) VCF-style: chr8-117864925-G-A.
Other names: short protein forms P395L.
Identifiers: ClinVar variation 2609113 (VCV002609113.3), dbSNP rs149171113, ClinGen allele CA184265420.